The following is an entry in ClinVar:

ClinVar aggregate classification (germline): Uncertain significance (1 of 4 stars; one submission).

Conditions:
SEMA3F-related disorder. Also called: SEMA3F-related condition.

gnomAD v4.1: 21 of 1,604,388 alleles (0.0013%); highest among the groups gnomAD compares: South Asian, 0.011%; no homozygotes.

Submission:

PreventionGenetics, part of Exact Sciences
Classification: Uncertain significance for SEMA3F-related condition. Last evaluated: 2026-07-31. Review status: criteria provided, single submitter. Criteria: ACMG Guidelines, 2015. Collection method: clinical testing. Allele origin: germline.
Comment: The SEMA3F c.527C>T variant is predicted to result in the amino acid substitution p.Pro176Leu. To our knowledge, this variant has not been reported in the literature. This variant is reported in 0.0091% of alleles in individuals of Latino descent in gnomAD. At this time, the clinical significance of this variant is uncertain due to the absence of conclusive functional and genetic evidence.

NM_004186.5(SEMA3F):c.527C>T (p.Pro176Leu)

Gene: SEMA3F (semaphorin 3F; plus strand). Cytogenetic location: 3p21.31.
Variant type: single nucleotide variant.
Coding change: c.527C>T on transcript NM_004186.5 (MANE Select); coding-DNA position 527, C replaced by T.
Protein change: p.Pro176Leu; replaces proline 176 with leucine.
Molecular consequence: missense variant. On other transcripts: intron variant (2).
Genome position (GRCh38, 1-based): chr3:50,175,166, C>T. VCF-style: chr3-50175166-C-T. GRCh37 (hg19) VCF-style: chr3-50212599-C-T.
Other names: c.252+816C>T (NM_001318798.2); c.456+816C>T (NM_001318800.2); short protein forms P176L.
Identifiers: ClinVar variation 4989363 (VCV004989363.1).